The following is an entry in ClinVar:

NM_001367561.1(DOCK7):c.5494-100G>A

Gene: DOCK7 (dedicator of cytokinesis 7; minus strand). Cytogenetic location: 1p31.3.
Variant type: single nucleotide variant.
Coding change: c.5494-100G>A on transcript NM_001367561.1 (MANE Select); 100 bases into the intron before coding-DNA position 5494, G replaced by A.
Molecular consequence: intron variant.
Genome position (GRCh38, 1-based): chr1:62,487,512, C>T on the plus strand (G>A on the coding strand, the complement: DOCK7 is on the minus strand). VCF-style: chr1-62487512-C-T. GRCh37 (hg19) VCF-style: chr1-62953183-C-T.
Other names: c.5373+1422G>A (NM_001272001.2); c.5374-100G>A (NM_001272000.2); c.5401-100G>A (NM_033407.4); c.5466+1422G>A (NM_001271999.2); c.5467-100G>A (NM_001330614.2).
Identifiers: ClinVar variation 1233388 (VCV001233388.6), dbSNP rs1168025, ClinGen allele CA23759636.

ClinVar aggregate classification (germline): Benign. Review status: criteria provided, multiple submitters, no conflicts (2 of 4 stars). 3 submissions from 3 submitters: Benign (3). Last evaluated 2024-07-15.

Allele frequency attached by ClinVar (database versions not stated): TOPMed 0.99468; gnomAD 0.99477 and 0.99514; 1000 Genomes Project 30x 0.99516; 1000 Genomes Project 0.99521; gnomAD exomes 0.99946.
gnomAD v4.1: 1,015,889 of 1,017,112 alleles (100%); highest among the groups gnomAD compares: East Asian, 100%; 507,343 homozygotes.

Submissions (3):

Unidad de Genómica Garrahan, Hospital de Pediatría Garrahan
Classification: Benign. Last evaluated: 2024-07-15. Review status: criteria provided, single submitter. Criteria: ACMG Guidelines, 2015. Collection method: clinical testing. Allele origin: germline. Affected: no. Observed: 93 variant alleles.
Comment: This variant is classified as Benign based on local population frequency. This variant was detected in 100% of patients studied in a panel designed for Epileptic and Developmental Encephalopathy and Progressive Myoclonus Epilepsy. Number of patients: 93. Only high quality variants are reported.

GeneDx
Classification: Benign. Last evaluated: 2021-03-08. Review status: criteria provided, single submitter. Criteria: GeneDx Variant Classification Process June 2021. Collection method: clinical testing. Allele origin: germline. Affected: yes.

Breakthrough Genomics
Classification: Benign. Review status: criteria provided, single submitter. Criteria: ACMG Guidelines, 2015. Collection method: not provided. Allele origin: germline. Inheritance: Autosomal recessive inheritance. Affected: yes.